The following is an entry in ClinVar:

NM_000550.3(TYRP1):c.217C>T (p.Arg73Trp)

Gene: TYRP1 (tyrosinase related protein 1; plus strand). Cytogenetic location: 9p23.
Variant type: single nucleotide variant.
Coding change: c.217C>T on transcript NM_000550.3 (MANE Select); coding-DNA position 217, C replaced by T.
Protein change: p.Arg73Trp; replaces arginine 73 with tryptophan.
Molecular consequence: missense variant.
Genome position (GRCh38, 1-based): chr9:12,694,213, C>T. VCF-style: chr9-12694213-C-T. GRCh37 (hg19) VCF-style: chr9-12694213-C-T.
Other names: short protein forms R73W.
Identifiers: ClinVar variation 1445746 (VCV001445746.7), dbSNP rs199989943, ClinGen allele CA4985148.

ClinVar aggregate classification (germline): Uncertain significance. Review status: criteria provided, multiple submitters, no conflicts (2 of 4 stars). 2 submissions from 2 submitters: Uncertain significance (2). Last evaluated 2024-11-12.

Allele frequency attached by ClinVar (database versions not stated): gnomAD exomes 0.00002 and 0.00003; ExAC 0.00004; gnomAD 0.00005 and 0.00006; TOPMed 0.00006; 1000 Genomes Project 30x 0.00016; 1000 Genomes Project 0.00020.
gnomAD v4.1: 40 of 1,613,724 alleles (0.0025%); highest among the groups gnomAD compares: African/African-American, 0.02%; no homozygotes.

Submissions (2):

Blueprint Genetics
Classification: Uncertain significance. Last evaluated: 2024-11-12. Review status: criteria provided, single submitter. Criteria: ACMG Guidelines, 2015. Collection method: clinical testing. Allele origin: germline.

Labcorp Genetics (formerly Invitae), Labcorp
Classification: Uncertain significance. Last evaluated: 2022-03-19. Review status: criteria provided, single submitter. Criteria: Invitae Variant Classification Sherloc (09022015). Collection method: clinical testing. Allele origin: germline.
Comment: This sequence change replaces arginine, which is basic and polar, with tryptophan, which is neutral and slightly polar, at codon 73 of the TYRP1 protein (p.Arg73Trp). This variant is present in population databases (rs199989943, gnomAD 0.02%). This variant has not been reported in the literature in individuals affected with TYRP1-related conditions. Algorithms developed to predict the effect of missense changes on protein structure and function are either unavailable or do not agree on the potential impact of this missense change (SIFT: "Deleterious"; PolyPhen-2: "Probably Damaging"; Align-GVGD: "Class C0"). In summary, the available evidence is currently insufficient to determine the role of this variant in disease. Therefore, it has been classified as a Variant of Uncertain Significance.